The following is an entry in ClinVar:

ClinVar aggregate classification (germline): Uncertain significance (1 of 4 stars; one submission).

gnomAD v4.1: 14 of 1,539,900 alleles (0.00091%); highest among the groups gnomAD compares: Non-Finnish European, 0.0011%; no homozygotes.

Submission:

Labcorp Genetics (formerly Invitae), Labcorp
Classification: Uncertain significance. Last evaluated: 2022-09-25. Review status: criteria provided, single submitter. Criteria: Invitae Variant Classification Sherloc (09022015). Collection method: clinical testing. Allele origin: germline.
Comment: This sequence change replaces proline, which is neutral and non-polar, with threonine, which is neutral and polar, at codon 4302 of the KMT2C protein (p.Pro4302Thr). This variant is not present in population databases (gnomAD no frequency). This variant has not been reported in the literature in individuals affected with KMT2C-related conditions. Algorithms developed to predict the effect of missense changes on protein structure and function are either unavailable or do not agree on the potential impact of this missense change (SIFT: "Deleterious"; PolyPhen-2: "Possibly Damaging"; Align-GVGD: "Class C0"). In summary, the available evidence is currently insufficient to determine the role of this variant in disease. Therefore, it has been classified as a Variant of Uncertain Significance.

NM_170606.3(KMT2C):c.12904C>A (p.Pro4302Thr)

Gene: KMT2C (lysine methyltransferase 2C; minus strand). Cytogenetic location: 7q36.1.
Variant type: single nucleotide variant.
Coding change: c.12904C>A on transcript NM_170606.3 (MANE Select); coding-DNA position 12904, C replaced by A.
Protein change: p.Pro4302Thr; replaces proline 4302 with threonine.
Molecular consequence: missense variant.
Genome position (GRCh38, 1-based): chr7:152,149,023, G>T on the plus strand (C>A on the coding strand, the complement: KMT2C is on the minus strand). VCF-style: chr7-152149023-G-T. GRCh37 (hg19) VCF-style: chr7-151846108-G-T.
Other names: short protein forms P4302T.
Identifiers: ClinVar variation 1967424 (VCV001967424.5), dbSNP rs559520719, ClinGen allele CA169221050.